The following is an entry in ClinVar:

NC_000001.11:g.(?_236751450)_(236762639_?)del

Gene: ACTN2 (actinin alpha 2; plus strand). Cytogenetic location: 1q43.
Variant type: Deletion.
Identifiers: ClinVar variation 583840 (VCV000583840.9).

ClinVar aggregate classification (germline): Uncertain significance (1 of 4 stars; one submission).

Conditions:
Dilated cardiomyopathy 1AA (CMD1AA). Also called: CARDIOMYOPATHY, DILATED, 1AA, WITH OR WITHOUT LEFT VENTRICULAR NONCOMPACTION; Cardiomyopathy, dilated, 1AA, with or without LVNC; CARDIOMYOPATHY, FAMILIAL HYPERTROPHIC, 23, WITH OR WITHOUT LEFT VENTRICULAR NONCOMPACTION. Identifiers: Orphanet 154, MedGen C2677338, MONDO:0012808, OMIM 612158.
Primary familial hypertrophic cardiomyopathy (HCM). Identifiers: Orphanet 99739, MedGen C0949658, MeSH D024741, MONDO:0024573. Inheritance: Various modes of inheritance.

Submission:

Labcorp Genetics (formerly Invitae), Labcorp
Classification: Uncertain significance for Primary familial hypertrophic cardiomyopathy; Dilated cardiomyopathy 1AA. Last evaluated: 2018-04-17. Review status: criteria provided, single submitter. Criteria: Invitae Variant Classification Sherloc (09022015). Collection method: clinical testing. Allele origin: germline.
Comment: This variant is a gross deletion of the genomic region encompassing exons 15-21 of the ACTN2 gene. The 5' boundary is likely confined to intron 14. The 3' end of this event is unknown as it extends through the termination codon beyond the assayed region for this gene and may encompass additional genes. While this deletion is not anticipated to result in nonsense mediated decay, it is expected to create a truncated protein product or disrupt mRNA translation. This variant has not been reported in the literature in individuals with ACTN2-related disease. The current clinical and genetic evidence is not sufficient to establish whether loss-of-function variants in ACTN2 cause disease. In summary, the available evidence is currently insufficient to determine the role of this variant in disease. Therefore, it has been classified as a Variant of Uncertain Significance.